The following is an entry in ClinVar:

ClinVar aggregate classification (germline): Pathogenic. Review status: criteria provided, multiple submitters, no conflicts (2 of 4 stars). 3 submissions from 3 submitters: Pathogenic (3). Last evaluated 2024-11-06.

Conditions:
Hereditary cancer-predisposing syndrome. Also called: Hereditary Cancer Syndrome; Hereditary neoplastic syndrome; Neoplastic Syndromes, Hereditary; Tumor predisposition. Identifiers: Orphanet 140162, MedGen C0027672, MeSH D009386, MONDO:0015356.
Familial cancer of breast. Also called: BREAST CANCER, FAMILIAL; hereditary breast carcinoma; Hereditary breast cancer. Identifiers: Orphanet 227535, MedGen C0346153, MONDO:0016419, OMIM 114480. Disease mechanism: loss of function.

Submissions (3):

Color Diagnostics, LLC DBA Color Health
Classification: Pathogenic for Hereditary cancer-predisposing syndrome. Last evaluated: 2024-11-06. Review status: criteria provided, single submitter. Criteria: ACMG Guidelines, 2015. Collection method: clinical testing. Allele origin: germline.
Comment: This variant deletes 3 and inserts 22 nucleotides in exon 12 of the CHEK2 gene, creating a frameshift and premature translation stop signal. This variant is expected to result in an absent or non-functional protein product. To our knowledge, this variant has not been reported in individuals affected with CHEK2-related disorders in the literature. This variant has not been identified in the general population by the Genome Aggregation Database (gnomAD). Loss of CHEK2 function is a known mechanism of disease. Based on the available evidence, this variant is classified as Pathogenic.

Myriad Genetics, Inc.
Classification: Pathogenic for Familial cancer of breast. Last evaluated: 2023-06-28. Review status: criteria provided, single submitter. Criteria: Myriad Autosomal Dominant, Autosomal Recessive and X-Linked Classification Criteria (2023). Collection method: clinical testing. Allele origin: unknown.
Comment: This variant is considered pathogenic. This variant creates a frameshift predicted to result in premature protein truncation.

Ambry Genetics
Classification: Pathogenic for Hereditary cancer-predisposing syndrome. Last evaluated: 2022-10-13. Review status: criteria provided, single submitter. Criteria: Ambry Variant Classification Scheme 2023. Collection method: clinical testing. Allele origin: germline.
Comment: The c.1290_1292delTAGins22 pathogenic mutation, located in coding exon 11 of the CHEK2 gene, results from the deletion of 3 nucleotides and insertion of 22 nucleotides causing a translational frameshift with a predicted alternate stop codon (p.H430Qfs*2). This variant is considered to be rare based on population cohorts in the Genome Aggregation Database (gnomAD). This alteration is expected to result in loss of function by premature protein truncation or nonsense-mediated mRNA decay. As such, this alteration is interpreted as a disease-causing mutation.

NM_007194.4(CHEK2):c.1290_1292delinsGTGACTCAAGTGTCACTTCAGT (p.His430_Arg431delinsGlnTer)

Gene: CHEK2 (checkpoint kinase 2; minus strand). Cytogenetic location: 22q12.1.
Variant type: Indel.
Coding change: c.1290_1292delinsGTGACTCAAGTGTCACTTCAGT on transcript NM_007194.4 (MANE Select); coding-DNA positions 1290 to 1292, TAG replaced by GTGACTCAAGTGTCACTTCAGT.
Protein change: p.His430_Arg431delinsGlnTer.
Molecular consequence: nonsense. On other transcripts: frameshift variant (4).
Genome position (GRCh38, 1-based): chr22:28,695,210-28,695,212, CTA replaced by ACTGAAGTGACACTTGAGTCAC on the plus strand (TAG replaced by GTGACTCAAGTGTCACTTCAGT on the coding strand, the reverse complement: CHEK2 is on the minus strand). VCF-style: chr22-28695210-CTA-ACTGAAGTGACACTTGAGTCAC. GRCh37 (hg19) VCF-style: chr22-29091198-CTA-ACTGAAGTGACACTTGAGTCAC.
Other names: c.1419_1421delTAGinsGTGACTCAAGTGTCACTTCAGT, p.His473Glnfs (NM_001005735.3); c.627_629delTAGinsGTGACTCAAGTGTCACTTCAGT, p.His209Glnfs (NM_001257387.3); c.1089_1091delTAGinsGTGACTCAAGTGTCACTTCAGT, p.His363Glnfs (NM_001349956.3); c.1203_1205delTAGinsGTGACTCAAGTGTCACTTCAGT, p.His401Glnfs (NM_145862.3).
Identifiers: ClinVar variation 1769077 (VCV001769077.4), dbSNP rs2517797629, ClinGen allele CA2580099428.